The following is an entry in ClinVar:

NM_014633.5(CTR9):c.144+4A>G

Gene: CTR9 (CTR9 component of Paf1/RNA polymerase II complex; plus strand). Cytogenetic location: 11p15.4.
Variant type: single nucleotide variant.
Coding change: c.144+4A>G on transcript NM_014633.5 (MANE Select); 4 bases into the intron after coding-DNA position 144, A replaced by G.
Molecular consequence: intron variant.
Genome position (GRCh38, 1-based): chr11:10,752,774, A>G. VCF-style: chr11-10752774-A-G. GRCh37 (hg19) VCF-style: chr11-10774321-A-G.
Other names: c.144+4A>G (NM_001346279.2).
Identifiers: ClinVar variation 2897642 (VCV002897642.3), dbSNP rs2135353214, ClinGen allele CA2739276214.
Genomic context (GRCh38, chr11:10,752,774, plus strand): 5'-GTTATCAGTATTCTGAAACAGGAACACACACAACTGCACATATGGATTGCTTTGGCGGTC[A>G]GTATTCATGTAGCAAATATTTTTTATTTGTTGACTAGGAAAATATGTAGTTTCTGTTTTC-3'

ClinVar aggregate classification (germline): Uncertain significance (1 of 4 stars; one submission).

Submission:

Labcorp Genetics (formerly Invitae), Labcorp
Classification: Uncertain significance. Last evaluated: 2023-08-06. Review status: criteria provided, single submitter. Criteria: Invitae Variant Classification Sherloc (09022015). Collection method: clinical testing. Allele origin: germline.
Comment: This sequence change falls in intron 2 of the CTR9 gene. It does not directly change the encoded amino acid sequence of the CTR9 protein. It affects a nucleotide within the consensus splice site. This variant is not present in population databases (gnomAD no frequency). This variant has not been reported in the literature in individuals affected with CTR9-related conditions. Variants that disrupt the consensus splice site are a relatively common cause of aberrant splicing (PMID: 17576681, 9536098). Algorithms developed to predict the effect of sequence changes on RNA splicing suggest that this variant may create or strengthen a splice site. In summary, the available evidence is currently insufficient to determine the role of this variant in disease. Therefore, it has been classified as a Variant of Uncertain Significance.

Literature cited by the submitters: PubMed 17576681; PubMed 9536098.